The following is an entry in ClinVar:

NM_031935.3(HMCN1):c.1231G>A (p.Asp411Asn)

Gene: HMCN1 (hemicentin 1; plus strand). Cytogenetic location: 1q31.1.
Variant type: single nucleotide variant.
Coding change: c.1231G>A on transcript NM_031935.3 (MANE Select); coding-DNA position 1231, G replaced by A.
Protein change: p.Asp411Asn; replaces aspartic acid 411 with asparagine.
Molecular consequence: missense variant.
Genome position (GRCh38, 1-based): chr1:185,923,599, G>A. VCF-style: chr1-185923599-G-A. GRCh37 (hg19) VCF-style: chr1-185892731-G-A.
Other names: short protein forms D411N.
Identifiers: ClinVar variation 1718464 (VCV001718464.5), dbSNP rs2527113930, ClinGen allele CA343894272.

ClinVar aggregate classification (germline): Uncertain significance (1 of 4 stars; one submission).

Allele frequency attached by ClinVar (database versions not stated): gnomAD exomes below 0.00001.
gnomAD v4.1: 1 of 1,609,478 alleles (0.000062%); highest among the groups gnomAD compares: East Asian, 0.0022%; no homozygotes.

Submission:

Labcorp Genetics (formerly Invitae), Labcorp
Classification: Uncertain significance. Last evaluated: 2022-08-31. Review status: criteria provided, single submitter. Criteria: Invitae Variant Classification Sherloc (09022015). Collection method: clinical testing. Allele origin: germline.
Comment: In summary, the available evidence is currently insufficient to determine the role of this variant in disease. Therefore, it has been classified as a Variant of Uncertain Significance. Algorithms developed to predict the effect of missense changes on protein structure and function are either unavailable or do not agree on the potential impact of this missense change (SIFT: "Deleterious"; PolyPhen-2: "Benign"; Align-GVGD: "Class C0"). This variant has not been reported in the literature in individuals affected with HMCN1-related conditions. This variant is not present in population databases (gnomAD no frequency). This sequence change replaces aspartic acid, which is acidic and polar, with asparagine, which is neutral and polar, at codon 411 of the HMCN1 protein (p.Asp411Asn).